The following is an entry in ClinVar:

NM_206933.4(USH2A):c.14902G>A (p.Asp4968Asn)

Gene: USH2A (usherin; minus strand). Cytogenetic location: 1q41.
Variant type: single nucleotide variant.
Coding change: c.14902G>A on transcript NM_206933.4 (MANE Select); coding-DNA position 14902, G replaced by A.
Protein change: p.Asp4968Asn; replaces aspartic acid 4968 with asparagine.
Molecular consequence: missense variant.
Genome position (GRCh38, 1-based): chr1:215,640,624, C>T on the plus strand (G>A on the coding strand, the complement: USH2A is on the minus strand). VCF-style: chr1-215640624-C-T. GRCh37 (hg19) VCF-style: chr1-215813966-C-T.
Other names: short protein forms D4968N.
Identifiers: ClinVar variation 229622 (VCV000229622.17), dbSNP rs764124390, ClinGen allele CA1392895.

ClinVar aggregate classification (germline): Conflicting classifications of pathogenicity. Review status: criteria provided, conflicting classifications (1 of 4 stars). 5 submissions from 5 submitters: Uncertain significance (3); Likely benign (1). 1 of the submissions does not count toward it. Last evaluated 2026-01-26.

Conditions:
USH2A-related disorder. Also called: USH2A-related condition; USH2A-related disorders. Identifiers: MedGen CN239332.
Retinitis pigmentosa 39 (RP39). Identifiers: Orphanet 791, MedGen C3151138, MONDO:0013436, OMIM 613809.
Usher syndrome type 2A. Also called: USHER SYNDROME, TYPE IIA; RETINAL DISEASE IN USHER SYNDROME TYPE IIA, MODIFIER OF. Identifiers: Orphanet 231178, Orphanet 886, MedGen C1848634, MONDO:0010169, OMIM 276901.

Allele frequency attached by ClinVar (database versions not stated): TOPMed 0.00002; gnomAD exomes 0.00003 and 0.00009; ExAC 0.00009.
gnomAD v4.1: 49 of 1,613,750 alleles (0.003%); highest among the groups gnomAD compares: Middle Eastern, 0.033%; 1 homozygote.

Submissions (5):

Labcorp Genetics (formerly Invitae), Labcorp
Classification: Likely benign. Last evaluated: 2026-01-26. Review status: criteria provided, single submitter. Criteria: Invitae Variant Classification Sherloc (09022015). Collection method: clinical testing. Allele origin: germline.

PreventionGenetics, part of Exact Sciences
Classification: Uncertain significance for USH2A-related condition. Last evaluated: 2025-11-06. Review status: criteria provided, single submitter. Criteria: ACMG Guidelines, 2015. Collection method: clinical testing. Allele origin: germline.
Comment: The USH2A c.14902G>A variant is predicted to result in the amino acid substitution p.Asp4968Asn. To our knowledge, this variant has not been reported in the literature. This variant is reported in 0.035% of alleles in individuals of Latino descent in gnomAD. At this time, the clinical significance of this variant is uncertain due to the absence of conclusive functional and genetic evidence.

Blueprint Genetics
Classification: Uncertain significance. Last evaluated: 2022-09-29. Review status: criteria provided, single submitter. Criteria: ACMG Guidelines, 2015. Collection method: clinical testing. Allele origin: germline.

Laboratory for Molecular Medicine, Mass General Brigham Personalized Medicine
Classification: Uncertain significance. Last evaluated: 2015-05-28. Review status: criteria provided, single submitter. Criteria: LMM Criteria. Collection method: clinical testing. Allele origin: germline. Observed: 1 variant allele.
Comment: The p.Asp4968Asn variant in USH2A has not been previously reported in individual s with hearing loss, but has been identified in 6/11568 Latino chromosomes by th e Exome Aggregation Consortium (ExAC). Although this variant has been seen in the general population, its frequency is not high enough to rule out a pathogenic role. Computational prediction tools and conserv ation analysis do not provide strong support for or against an impact to the pro tein. In summary, the clinical significance of the p.Asp4968Asn variant is uncer tain.

Counsyl
Classification: Uncertain significance for Usher syndrome type 2A; Retinitis pigmentosa 39. Last evaluated: 2017-07-21. Review status: no assertion criteria provided. Collection method: clinical testing. Allele origin: unknown. Not counted in ClinVar's aggregate classification.